The following is an entry in ClinVar:

NM_015338.6(ASXL1):c.1372C>G (p.Pro458Ala)

Gene: ASXL1 (ASXL transcriptional regulator 1; plus strand). Cytogenetic location: 20q11.21.
Variant type: single nucleotide variant.
Coding change: c.1372C>G on transcript NM_015338.6 (MANE Select); coding-DNA position 1372, C replaced by G.
Protein change: p.Pro458Ala; replaces proline 458 with alanine.
Molecular consequence: missense variant.
Genome position (GRCh38, 1-based): chr20:32,433,570, C>G. VCF-style: chr20-32433570-C-G. GRCh37 (hg19) VCF-style: chr20-31021373-C-G.
Other names: c.1189C>G, p.Pro397Ala (NM_001363734.1); short protein forms P397A, P458A.
Identifiers: ClinVar variation 4587155 (VCV004587155.1).

ClinVar aggregate classification (germline): Uncertain significance (1 of 4 stars; one submission).

Conditions:
Inborn genetic diseases. Identifiers: MedGen C0950123, MeSH D030342.

Submission:

Ambry Genetics
Classification: Uncertain significance for Inborn genetic diseases. Last evaluated: 2025-09-18. Review status: criteria provided, single submitter. Criteria: Ambry Variant Classification Scheme 2023. Collection method: clinical testing. Allele origin: germline.
Comment: The p.P458A variant (also known as c.1372C>G), located in coding exon 12 of the ASXL1 gene, results from a C to G substitution at nucleotide position 1372. The proline at codon 458 is replaced by alanine, an amino acid with highly similar properties. This amino acid position is conserved. In addition, this alteration is predicted to be tolerated by in silico analysis. Based on the available evidence, the clinical significance of this variant remains unclear.